The following is an entry in ClinVar:

NM_000059.4(BRCA2):c.1031C>A (p.Ser344Tyr)

Gene: BRCA2 (BRCA2 DNA repair associated; plus strand). Cytogenetic location: 13q13.1.
Variant type: single nucleotide variant.
Coding change: c.1031C>A on transcript NM_000059.4 (MANE Select); coding-DNA position 1031, C replaced by A.
Protein change: p.Ser344Tyr; replaces serine 344 with tyrosine.
Molecular consequence: missense variant. On other transcripts: non-coding transcript variant (1), intron variant (1).
Genome position (GRCh38, 1-based): chr13:32,332,509, C>A. VCF-style: chr13-32332509-C-A. GRCh37 (hg19) VCF-style: chr13-32906646-C-A.
Other names: c.1031C>A, p.Ser344Tyr (NM_001406719.1, NM_001406720.1, NM_001406721.1); c.424+1479C>A (NM_001406722.1); short protein forms S344Y.
Identifiers: ClinVar variation 3252920 (VCV003252920.1), dbSNP rs1593891776.

ClinVar aggregate classification (germline): Uncertain significance (1 of 4 stars; one submission).

Submission:

GeneDx
Classification: Uncertain significance. Last evaluated: 2023-09-05. Review status: criteria provided, single submitter. Criteria: GeneDx Variant Classification Process June 2021. Collection method: clinical testing. Allele origin: germline. Affected: yes.
Comment: Not observed at significant frequency in large population cohorts (gnomAD); In silico analysis supports that this missense variant does not alter protein structure/function; Has not been previously published as pathogenic or benign to our knowledge; Also known as 1259C>A